The following is an entry in ClinVar:

ClinVar aggregate classification (germline): Uncertain significance. Review status: criteria provided, multiple submitters, no conflicts (2 of 4 stars). 2 submissions from 2 submitters: Uncertain significance (2). Last evaluated 2025-08-21.

Conditions:
Familial cancer of breast. Also called: hereditary breast carcinoma; Hereditary breast cancer; BREAST CANCER, FAMILIAL. Identifiers: Orphanet 227535, MedGen C0346153, MONDO:0016419, OMIM 114480. Disease mechanism: loss of function.
Fanconi anemia complementation group J. Also called: BRIP1-Related Fanconi Anemia. Identifiers: Orphanet 84, MedGen C1836860, MONDO:0012187, OMIM 609054.
Hereditary cancer-predisposing syndrome. Also called: Tumor predisposition; Neoplastic Syndromes, Hereditary; Hereditary neoplastic syndrome; Hereditary Cancer Syndrome. Identifiers: Orphanet 140162, MedGen C0027672, MeSH D009386, MONDO:0015356.

Allele frequency attached by ClinVar (database versions not stated): gnomAD 0.00002.
gnomAD v4.1: 3 of 1,614,048 alleles (0.00019%); highest among the groups gnomAD compares: Admixed American, 0.005%; no homozygotes.

Submissions (2):

Ambry Genetics
Classification: Uncertain significance for Hereditary cancer-predisposing syndrome. Last evaluated: 2025-08-21. Review status: criteria provided, single submitter. Criteria: Ambry Variant Classification Scheme 2023. Collection method: clinical testing. Allele origin: germline.
Comment: The p.I1016M variant (also known as c.3048A>G), located in coding exon 19 of the BRIP1 gene, results from an A to G substitution at nucleotide position 3048. The isoleucine at codon 1016 is replaced by methionine, an amino acid with highly similar properties. This amino acid position is conserved. In addition, this alteration is predicted to be tolerated by in silico analysis. Based on the available evidence, the clinical significance of this variant remains unclear.

Labcorp Genetics (formerly Invitae), Labcorp
Classification: Uncertain significance for Familial cancer of breast; Fanconi anemia complementation group J. Last evaluated: 2022-01-27. Review status: criteria provided, single submitter. Criteria: Invitae Variant Classification Sherloc (09022015). Collection method: clinical testing. Allele origin: germline.
Comment: In summary, the available evidence is currently insufficient to determine the role of this variant in disease. Therefore, it has been classified as a Variant of Uncertain Significance. Algorithms developed to predict the effect of missense changes on protein structure and function output the following: SIFT: "Tolerated"; PolyPhen-2: "Benign"; Align-GVGD: "Class C0". The methionine amino acid residue is found in multiple mammalian species, which suggests that this missense change does not adversely affect protein function. This variant has not been reported in the literature in individuals affected with BRIP1-related conditions. This variant is not present in population databases (gnomAD no frequency). This sequence change replaces isoleucine, which is neutral and non-polar, with methionine, which is neutral and non-polar, at codon 1016 of the BRIP1 protein (p.Ile1016Met).

NM_032043.3(BRIP1):c.3048A>G (p.Ile1016Met)

Gene: BRIP1 (BRCA1 interacting DNA helicase 1; minus strand). Cytogenetic location: 17q23.2.
Variant type: single nucleotide variant.
Coding change: c.3048A>G on transcript NM_032043.3 (MANE Select); coding-DNA position 3048, A replaced by G.
Protein change: p.Ile1016Met; replaces isoleucine 1016 with methionine.
Molecular consequence: missense variant.
Genome position (GRCh38, 1-based): chr17:61,683,998, T>C on the plus strand (A>G on the coding strand, the complement: BRIP1 is on the minus strand). VCF-style: chr17-61683998-T-C. GRCh37 (hg19) VCF-style: chr17-59761359-T-C.
Other names: short protein forms I1016M.
Identifiers: ClinVar variation 2090575 (VCV002090575.5), dbSNP rs2061322119, ClinGen allele CA400479916.